The following is an entry in ClinVar:

NC_000011.9:g.(?_102980304)_(103349981_?)dup

Gene: DYNC2H1 (dynein cytoplasmic 2 heavy chain 1; plus strand). Cytogenetic location: 11q22.3.
Variant type: Duplication.
Identifiers: ClinVar variation 1445241 (VCV001445241.4).

ClinVar aggregate classification (germline): Uncertain significance (1 of 4 stars; one submission).

Conditions:
Jeune thoracic dystrophy. Also called: Jeune syndrome; Infantile thoracic dystrophy; Thoracic pelvic phalangeal dystrophy; Jeune's syndrome; Chondroectodermal dysplasia-like syndrome; Short-rib thoracic dysplasia. Identifiers: Orphanet 474, MedGen C0265275, MONDO:0018770.

Submission:

Labcorp Genetics (formerly Invitae), Labcorp
Classification: Uncertain significance for Jeune thoracic dystrophy. Last evaluated: 2022-08-22. Review status: criteria provided, single submitter. Criteria: Invitae Variant Classification Sherloc (09022015). Collection method: clinical testing. Allele origin: germline.
Comment: A copy number gain of the genomic region encompassing the full coding sequence of the DYNC2H1 gene has been identified. The boundaries of this event are unknown as they extend beyond the assayed region for this gene and therefore may encompass additional genes. As the precise location of this event is unknown, it may be in tandem or it may be located elsewhere in the genome. This variant has not been reported in the literature in individuals affected with DYNC2H1-related conditions. In summary, the available evidence is currently insufficient to determine the role of this variant in disease. Therefore, it has been classified as a Variant of Uncertain Significance.